The following is an entry in ClinVar:

ClinVar aggregate classification (germline): Uncertain significance (1 of 4 stars; one submission).

Conditions:
Hereditary cancer-predisposing syndrome. Also called: Hereditary Cancer Syndrome; Neoplastic Syndromes, Hereditary; Tumor predisposition; Hereditary neoplastic syndrome. Identifiers: Orphanet 140162, MedGen C0027672, MeSH D009386, MONDO:0015356.

Submission:

Ambry Genetics
Classification: Uncertain significance for Hereditary cancer-predisposing syndrome. Last evaluated: 2016-05-16. Review status: criteria provided, single submitter. Criteria: Ambry Variant Classification Scheme 2023. Collection method: clinical testing. Allele origin: germline.
Comment: The p.N718I variant (also known as c.2153A>T), located in coding exon 11 of the BARD1 gene, results from an A to T substitution at nucleotide position 2153. The asparagine at codon 718 is replaced by isoleucine, an amino acid with dissimilar properties. This variant was not reported in population based cohorts in the following databases: Database of Single Nucleotide Polymorphisms (dbSNP), NHLBI Exome Sequencing Project (ESP), and 1000 Genomes Project. In the ESP, this variant was not observed in 6503 samples (13006 alleles) with coverage at this position. To date, this alteration has been detected with an allele frequency of approximately 0.001% (greater than 120000 alleles tested) in our clinical cohort. This amino acid position is well conserved in available vertebrate species. In addition, the in silico prediction for this alteration is inconclusive. Since supporting evidence is limited at this time, the clinical significance of this alteration remains unclear.

NM_000465.4(BARD1):c.2153A>T (p.Asn718Ile)

Gene: BARD1 (BRCA1 associated RING domain 1; minus strand). Cytogenetic location: 2q35.
Variant type: single nucleotide variant.
Coding change: c.2153A>T on transcript NM_000465.4 (MANE Select); coding-DNA position 2153, A replaced by T.
Protein change: p.Asn718Ile; replaces asparagine 718 with isoleucine.
Molecular consequence: missense variant. On other transcripts: non-coding transcript variant (3).
Genome position (GRCh38, 1-based): chr2:214,728,857, T>A on the plus strand (A>T on the coding strand, the complement: BARD1 is on the minus strand). VCF-style: chr2-214728857-T-A. GRCh37 (hg19) VCF-style: chr2-215593581-T-A.
Other names: c.2096A>T, p.Asn699Ile (NM_001282543.2); c.800A>T, p.Asn267Ile (NM_001282545.2); c.743A>T, p.Asn248Ile (NM_001282548.2); c.614A>T, p.Asn205Ile (NM_001282549.2); short protein forms N718I, N205I, N248I, N267I, N699I.
Identifiers: ClinVar variation 481383 (VCV000481383.5), dbSNP rs773166130, ClinGen allele CA350450456.